The following is an entry in ClinVar:

NM_001040108.2(MLH3):c.1311T>C (p.Asp437=)

Gene: MLH3 (mutL homolog 3; minus strand). Cytogenetic location: 14q24.3.
Variant type: single nucleotide variant.
Coding change: c.1311T>C on transcript NM_001040108.2 (MANE Select); coding-DNA position 1311, T replaced by C.
Protein change: p.Asp437=; no amino-acid change (aspartic acid 437 retained).
Molecular consequence: synonymous variant.
Genome position (GRCh38, 1-based): chr14:75,048,345, A>G on the plus strand (T>C on the coding strand, the complement: MLH3 is on the minus strand). VCF-style: chr14-75048345-A-G. GRCh37 (hg19) VCF-style: chr14-75515048-A-G.
Other names: c.1311T>C, p.Asp437= (NM_014381.3).
Identifiers: ClinVar variation 2497059 (VCV002497059.3), dbSNP rs377664382, ClinGen allele CA7275894.

ClinVar aggregate classification (germline): Benign/Likely benign. Review status: criteria provided, multiple submitters, no conflicts (2 of 4 stars). 2 submissions from 2 submitters: Benign (1); Likely benign (1). Last evaluated 2026-09-18.

Conditions:
Colorectal cancer, hereditary nonpolyposis, type 7. Identifiers: Orphanet 144, MedGen C1858380, MONDO:0013725, OMIM 614385.

Allele frequency attached by ClinVar (database versions not stated): gnomAD 0.00001; gnomAD exomes 0.00001; ExAC 0.00003; 1000 Genomes Project 0.00020; TOPMed below 0.00001; 1000 Genomes Project 30x 0.00016; ESP Exome Variant Server 0.00008.
gnomAD v4.1: 14 of 1,613,856 alleles (0.00087%); highest among the groups gnomAD compares: Middle Eastern, 0.016%; no homozygotes.

Submissions (2):

Myriad Genetics, Inc.
Classification: Benign for Colorectal cancer, hereditary nonpolyposis, type 7. Last evaluated: 2026-09-18. Review status: criteria provided, single submitter. Criteria: Myriad Autosomal Dominant, Autosomal Recessive and X-Linked Classification Criteria (2023). Collection method: clinical testing. Allele origin: unknown.
Comment: This variant is considered benign. This variant is a silent/synonymous amino acid change and it is not expected to impact splicing.

Ambry Genetics
Classification: Likely benign. Last evaluated: 2022-11-10. Review status: criteria provided, single submitter. Criteria: Ambry Variant Classification Scheme 2023. Collection method: clinical testing. Allele origin: germline.